The following is an entry in ClinVar:

ClinVar aggregate classification (germline): Uncertain significance (1 of 4 stars; one submission).

Conditions:
BBS4-related disorder. Also called: BBS4-related condition.

Submission:

PreventionGenetics, part of Exact Sciences
Classification: Uncertain significance for BBS4-related condition. Last evaluated: 2025-05-15. Review status: criteria provided, single submitter. Criteria: ACMG Guidelines, 2015. Collection method: clinical testing. Allele origin: germline.
Comment: The BBS4 c.187C>G variant is predicted to result in the amino acid substitution p.Gln63Glu. To our knowledge, this variant has not been reported in the literature or in a large population database (gnomAD), indicating this variant is rare. At this time, the clinical significance of this variant is uncertain due to the absence of conclusive functional and genetic evidence.

NM_033028.5(BBS4):c.187C>G (p.Gln63Glu)

Gene: BBS4 (Bardet-Biedl syndrome 4; plus strand). Cytogenetic location: 15q24.1.
Variant type: single nucleotide variant.
Coding change: c.187C>G on transcript NM_033028.5 (MANE Select); coding-DNA position 187, C replaced by G.
Protein change: p.Gln63Glu; replaces glutamine 63 with glutamic acid.
Molecular consequence: missense variant. On other transcripts: 5 prime UTR variant (1), non-coding transcript variant (2).
Genome position (GRCh38, 1-based): chr15:72,712,274, C>G. VCF-style: chr15-72712274-C-G. GRCh37 (hg19) VCF-style: chr15-73004615-C-G.
Other names: c.-335C>G (NM_001252678.2); c.187C>G, p.Gln63Glu (NM_001320665.2); short protein forms Q63E.
Identifiers: ClinVar variation 5002200 (VCV005002200.1).
Genomic context (GRCh38, chr15:72,712,274, plus strand): 5'-TGCTCAGAAGCATTTTTCTCCCTCTTTCAGGCTGTTATCAAAGAACAGCTTCAAGAGACT[C>G]AGGGATTGTGTGAATATGCTATCTATGTCCAAGGTAAGACACATACTTCTTGTCTTCTTG-3'
Protein context (NP_149017.2, residues 53-73): AVIKEQLQET[Gln63Glu]GLCEYAIYVQ